The following is an entry in ClinVar:

NM_001365088.1(SLC12A6):c.1094CTT[1] (p.Ser366del)

Gene: SLC12A6 (solute carrier family 12 member 6; minus strand). Cytogenetic location: 15q14.
Variant type: Microsatellite.
Coding change: c.1094CTT[1] on transcript NM_001365088.1 (MANE Select); one copy of the 3-base unit CTT starting at c.1094; the reference has two copies in a row; one copy, 3 bases deleted.
Protein change: p.Ser366del; deletes serine 366.
Molecular consequence: inframe deletion.
Genome position (GRCh38, 1-based): chr15:34,254,367-34,254,369, AAG deleted on the plus strand (CTT on the coding strand, the reverse complement: SLC12A6 is on the minus strand); deleting any 3 consecutive bases within chr15:34,254,367-34,254,373 gives the same sequence; the position shown is the placement nearest the transcript's 3' end. VCF-style (leftmost placement, unchanged base first): chr15-34254366-AAAG-A. GRCh37 (hg19) VCF-style: chr15-34546567-AAAG-A.
Other names: p.Ser366del; c.1097_1099delCTT (NM_133647.1); c.917CTT[1], p.Ser307del (NM_001042494.2, NM_001042495.2); c.1067CTT[1], p.Ser357del (NM_001042496.2); c.1049CTT[1], p.Ser351del (NM_001042497.2); c.941CTT[1], p.Ser315del (NM_005135.2); c.1094CTT[1], p.Ser366del (NM_133647.2); c.1097_1099del (NM_133647.1); short protein forms S315del, S366del, S307del, S351del, S357del.
Identifiers: ClinVar variation 315617 (VCV000315617.23), dbSNP rs779390859, ClinGen allele CA7464407.

ClinVar aggregate classification (germline): Conflicting classifications of pathogenicity. Review status: criteria provided, conflicting classifications (1 of 4 stars). 6 submissions from 6 submitters: Uncertain significance (4); Likely benign (1). 1 of the submissions does not count toward it. Last evaluated 2026-08-03.

Conditions:
Agenesis of the corpus callosum with peripheral neuropathy (ACCPN). Also called: POLYNEUROPATHY, SENSORIMOTOR, WITH OR WITHOUT AGENESIS OF THE CORPUS CALLOSUM; CHARLEVOIX DISEASE; Hereditary Motor and Sensory Neuropathy with Agenesis of the Corpus Callosum; HMSN/ACC. Identifiers: Orphanet 1496, MedGen C0795950, MONDO:0000902, OMIM 218000. Disease mechanism: loss of function.

Submissions (6):

GeneDx
Classification: Uncertain significance. Last evaluated: 2026-08-03. Review status: criteria provided, single submitter. Criteria: GeneDx Variant Classification Process June 2021. Collection method: clinical testing. Allele origin: germline.
Comment: In-frame deletion of 1 amino acids in a non-repeat region; In silico analysis supports a deleterious effect on protein structure/function; Has not been previously published as pathogenic or benign to our knowledge

Labcorp Genetics (formerly Invitae), Labcorp
Classification: Uncertain significance. Last evaluated: 2026-02-02. Review status: criteria provided, single submitter. Criteria: Invitae Variant Classification Sherloc (09022015). Collection method: clinical testing. Allele origin: germline.
Comment: This variant, c.1097_1099del, results in the deletion of 1 amino acid(s) of the SLC12A6 protein (p.Ser366del), but otherwise preserves the integrity of the reading frame. This variant is present in population databases (rs779390859, gnomAD 0.05%). This variant has not been reported in the literature in individuals affected with SLC12A6-related conditions. ClinVar contains an entry for this variant (Variation ID: 315617). Experimental studies and prediction algorithms are not available or were not evaluated, and the functional significance of this variant is currently unknown. In summary, the available evidence is currently insufficient to determine the role of this variant in disease. Therefore, it has been classified as a Variant of Uncertain Significance.

CeGaT Center for Human Genetics Tuebingen
Classification: Uncertain significance. Last evaluated: 2025-06-01. Review status: criteria provided, single submitter. Criteria: CeGaT Center For Human Genetics Tuebingen Variant Classification Criteria Version 2. Collection method: clinical testing. Allele origin: germline. Affected: yes. Observed: 1 variant allele.
Comment: SLC12A6: PM2, PM4:Supporting

Mayo Clinic Laboratories, Mayo Clinic
Classification: Uncertain significance. Last evaluated: 2024-12-31. Review status: criteria provided, single submitter. Criteria: ACMG Guidelines, 2015. Collection method: clinical testing. Allele origin: germline. Observed: 2 variant alleles.
Comment: PM4

ARUP Laboratories, Molecular Genetics and Genomics, ARUP Laboratories
Classification: Likely benign. Last evaluated: 2024-10-28. Review status: criteria provided, single submitter. Criteria: ARUP Molecular Germline Variant Investigation Process 2024. Collection method: clinical testing. Allele origin: germline.

Natera, Inc.
Classification: Uncertain significance for Andermann syndrome. Last evaluated: 2020-04-18. Review status: no assertion criteria provided. Collection method: clinical testing. Allele origin: germline. Not counted in ClinVar's aggregate classification.